The following is an entry in ClinVar:

NM_014989.7(RIMS1):c.3277G>A (p.Val1093Ile)

Gene: RIMS1 (regulating synaptic membrane exocytosis 1; plus strand). Cytogenetic location: 6q13.
Variant type: single nucleotide variant.
Coding change: c.3277G>A on transcript NM_014989.7 (MANE Select); coding-DNA position 3277, G replaced by A.
Protein change: p.Val1093Ile; replaces valine 1093 with isoleucine.
Molecular consequence: missense variant. On other transcripts: intron variant (62).
Genome position (GRCh38, 1-based): chr6:72,265,472, G>A. VCF-style: chr6-72265472-G-A. GRCh37 (hg19) VCF-style: chr6-72975175-G-A.
Other names: c.1696G>A, p.Val566Ile (NM_001350436.2); c.1470-488G>A (NM_001350428.2, NM_001350459.2, NM_001350424.2 and 1 more transcripts); c.1467-488G>A (NM_001350437.2, NM_001350430.2, NM_001350421.2 and 1 more transcripts); c.1616+420G>A (NM_001350458.2); c.1539-488G>A (NM_001350433.2, NM_001350446.2, NM_001350442.2 and 8 more transcripts); c.1538+4705G>A (NM_001350431.2); c.1476-488G>A (NM_001350457.2); c.1475+6361G>A (NM_001350460.2, NM_001350426.2, NM_001350429.2 and 1 more transcripts); and 14 more; short protein forms V1093I, V566I.
Identifiers: ClinVar variation 1472212 (VCV001472212.6), dbSNP rs767219735, ClinGen allele CA3886190.

ClinVar aggregate classification (germline): Uncertain significance (1 of 4 stars; one submission).

Allele frequency attached by ClinVar (database versions not stated): TOPMed below 0.00001; ExAC 0.00001; gnomAD exomes 0.00001.
gnomAD v4.1: 14 of 1,599,900 alleles (0.00088%); highest among the groups gnomAD compares: Non-Finnish European, 0.0011%; no homozygotes.

Submission:

Labcorp Genetics (formerly Invitae), Labcorp
Classification: Uncertain significance. Last evaluated: 2022-07-06. Review status: criteria provided, single submitter. Criteria: Invitae Variant Classification Sherloc (09022015). Collection method: clinical testing. Allele origin: germline.
Comment: In summary, the available evidence is currently insufficient to determine the role of this variant in disease. Therefore, it has been classified as a Variant of Uncertain Significance. Algorithms developed to predict the effect of missense changes on protein structure and function output the following: SIFT: "Tolerated"; PolyPhen-2: "Benign"; Align-GVGD: "Class C0". The isoleucine amino acid residue is found in multiple mammalian species, which suggests that this missense change does not adversely affect protein function. ClinVar contains an entry for this variant (Variation ID: 1472212). This variant has not been reported in the literature in individuals affected with RIMS1-related conditions. This variant is present in population databases (rs767219735, gnomAD 0.003%). This sequence change replaces valine, which is neutral and non-polar, with isoleucine, which is neutral and non-polar, at codon 1093 of the RIMS1 protein (p.Val1093Ile).